The following is an entry in ClinVar:

ClinVar aggregate classification (germline): Conflicting classifications of pathogenicity. Review status: criteria provided, conflicting classifications (1 of 4 stars). 2 submissions from 2 submitters: Uncertain significance (1); Likely benign (1). Last evaluated 2025-03-09.

Conditions:
Cardiovascular phenotype. Identifiers: MedGen CN230736.
Familial hypobetalipoproteinemia 1. Also called: APOB-Related Familial Hypobetalipoproteinemia; Hypobetalipoproteinemia, normotriglyceridemic; Acanthocytosis with hypobetalipoproteinemia. Identifiers: MedGen C4551990, MONDO:0014252, OMIM 615558.
Hypercholesterolemia, autosomal dominant, type B (FHCL2). Also called: Familial Hypercholesterolemia Type B; APOLIPOPROTEIN B-100, FAMILIAL DEFECTIVE; APOLIPOPROTEIN B-100, FAMILIAL LIGAND-DEFECTIVE; HYPERCHOLESTEROLEMIA, FAMILIAL, DUE TO LIGAND-DEFECTIVE APOLIPOPROTEIN B; Hyperlipoproteinemia Type IIb; Familial hypercholesterolemia 2. Identifiers: MedGen C1704417, MONDO:0007751, OMIM 144010.

Allele frequency attached by ClinVar (database versions not stated): gnomAD 0.00001; TOPMed 0.00002.

Submissions (2):

Labcorp Genetics (formerly Invitae), Labcorp
Classification: Likely benign for Familial hypobetalipoproteinemia 1; Hypercholesterolemia, autosomal dominant, type B. Last evaluated: 2025-03-09. Review status: criteria provided, single submitter. Criteria: Invitae Variant Classification Sherloc (09022015). Collection method: clinical testing. Allele origin: germline.

Ambry Genetics
Classification: Uncertain significance for Cardiovascular phenotype. Last evaluated: 2024-11-20. Review status: criteria provided, single submitter. Criteria: Ambry Variant Classification Scheme 2023. Collection method: clinical testing. Allele origin: germline.
Comment: The c.2068-5C>G intronic variant results from a C to G substitution 5 nucleotides upstream from coding exon 15 in the APOB gene. This nucleotide position is not well conserved in available vertebrate species. In silico splice site analysis predicts that this alteration will not have any significant effect on splicing. Based on the available evidence, the clinical significance of this variant remains unclear.

NM_000384.3(APOB):c.2068-5C>G

Gene: APOB (apolipoprotein B; minus strand). Cytogenetic location: 2p24.1.
Variant type: single nucleotide variant.
Coding change: c.2068-5C>G on transcript NM_000384.3 (MANE Select); 5 bases into the intron before coding-DNA position 2068, C replaced by G.
Molecular consequence: intron variant.
Genome position (GRCh38, 1-based): chr2:21,026,969, G>C on the plus strand (C>G on the coding strand, the complement: APOB is on the minus strand). VCF-style: chr2-21026969-G-C. GRCh37 (hg19) VCF-style: chr2-21249841-G-C.
Other names: c.2068-5C>G (NM_000384.2).
Identifiers: ClinVar variation 2938482 (VCV002938482.4), dbSNP rs956315398, ClinGen allele CA43522880.
Genomic context (GRCh38, chr2:21,026,969, plus strand): 5'-TGCTTCCCAAAAAGAGCTTCCAATGTTGGCTCAAAGCCTTTTCCTTCCAAGCCAATCTGA[G>C]AAAGAAAATCAGACAAGAAAATGGCATCAGGTTTCTTTGTTGTATGCCAGCCTAGTAGTC-3'